The following is an entry in ClinVar:

ClinVar aggregate classification (germline): Uncertain significance. Review status: criteria provided, multiple submitters, no conflicts (2 of 4 stars). 2 submissions from 2 submitters: Uncertain significance (2). Last evaluated 2024-12-15.

Conditions:
Inborn genetic diseases. Identifiers: MedGen C0950123, MeSH D030342.

Allele frequency attached by ClinVar (database versions not stated): ExAC 0.00005; TOPMed 0.00009; ESP Exome Variant Server 0.00025.
gnomAD v4.1: 120 of 1,614,128 alleles (0.0074%); highest among the groups gnomAD compares: Middle Eastern, 0.05%; no homozygotes.

Submissions (2):

Ambry Genetics
Classification: Uncertain significance for Inborn genetic diseases. Last evaluated: 2024-12-15. Review status: criteria provided, single submitter. Criteria: Ambry Variant Classification Scheme 2023. Collection method: clinical testing. Allele origin: germline.

Labcorp Genetics (formerly Invitae), Labcorp
Classification: Uncertain significance. Last evaluated: 2023-10-07. Review status: criteria provided, single submitter. Criteria: Invitae Variant Classification Sherloc (09022015). Collection method: clinical testing. Allele origin: germline.
Comment: This sequence change replaces asparagine, which is neutral and polar, with aspartic acid, which is acidic and polar, at codon 1834 of the RTTN protein (p.Asn1834Asp). This variant is present in population databases (rs200169343, gnomAD 0.02%). This variant has not been reported in the literature in individuals affected with RTTN-related conditions. ClinVar contains an entry for this variant (Variation ID: 1438510). Advanced modeling of protein sequence and biophysical properties (such as structural, functional, and spatial information, amino acid conservation, physicochemical variation, residue mobility, and thermodynamic stability) performed at Invitae indicates that this missense variant is not expected to disrupt RTTN protein function. In summary, the available evidence is currently insufficient to determine the role of this variant in disease. Therefore, it has been classified as a Variant of Uncertain Significance.

NM_173630.4(RTTN):c.5500A>G (p.Asn1834Asp)

Genes: RTTN (rotatin; minus strand), LOC126862785 (MED14-independent group 3 enhancer GRCh37_chr18:67714790-67715989; plus strand). Cytogenetic location: 18q22.2.
Variant type: single nucleotide variant.
Coding change: c.5500A>G on transcript NM_173630.4 (MANE Select); coding-DNA position 5500, A replaced by G.
Protein change: p.Asn1834Asp; replaces asparagine 1834 with aspartic acid.
Molecular consequence: missense variant.
Genome position (GRCh38, 1-based): chr18:70,048,012, T>C on the plus strand (A>G on the coding strand, the complement: RTTN is on the minus strand). VCF-style: chr18-70048012-T-C. GRCh37 (hg19) VCF-style: chr18-67715248-T-C.
Other names: c.2764A>G, p.Asn922Asp (NM_001318520.2); c.5500A>G (NM_173630.3); short protein forms N1834D, N922D.
Identifiers: ClinVar variation 1438510 (VCV001438510.11), dbSNP rs200169343, ClinGen allele CA8994933.